The following is an entry in ClinVar:

ClinVar aggregate classification (germline): Uncertain significance. Review status: criteria provided, multiple submitters, no conflicts (2 of 4 stars). 5 submissions from 5 submitters: Uncertain significance (5). Last evaluated 2025-04-17.

Conditions:
Familial adenomatous polyposis 1 (FAP1). Also called: POLYPOSIS, ADENOMATOUS INTESTINAL; FAMILIAL ADENOMATOUS POLYPOSIS 1, ATTENUATED. Identifiers: MedGen C2713442, MONDO:0021056, OMIM 175100. Disease mechanism: loss of function.
Classic or attenuated familial adenomatous polyposis. Identifiers: MedGen CN372698, MONDO:0021057.
Hereditary cancer-predisposing syndrome. Also called: Hereditary Cancer Syndrome; Neoplastic Syndromes, Hereditary; Tumor predisposition; Hereditary neoplastic syndrome. Identifiers: Orphanet 140162, MedGen C0027672, MeSH D009386, MONDO:0015356.

Allele frequency attached by ClinVar (database versions not stated): gnomAD exomes 0.00001.
gnomAD v4.1: 6 of 1,612,954 alleles (0.00037%); highest among the groups gnomAD compares: Non-Finnish European, 0.00051%; no homozygotes.

Submissions (5):

Ambry Genetics
Classification: Uncertain significance for Hereditary cancer-predisposing syndrome. Last evaluated: 2025-04-17. Review status: criteria provided, single submitter. Criteria: Ambry Variant Classification Scheme 2023. Collection method: clinical testing. Allele origin: germline.
Comment: The p.E1831K variant (also known as c.5491G>A), located in coding exon 15 of the APC gene, results from a G to A substitution at nucleotide position 5491. The glutamic acid at codon 1831 is replaced by lysine, an amino acid with similar properties. This amino acid position is highly conserved in available vertebrate species. In addition, in silico predictors for this gene do not accurately predict pathogenicity. Missense alterations in APC are not a common cause of disease (Spier I et al. Genet Med. 2024 Feb;26(2):100992). Based on the available evidence, the clinical significance of this variant remains unclear.

Labcorp Genetics (formerly Invitae), Labcorp
Classification: Uncertain significance for Familial adenomatous polyposis 1. Last evaluated: 2024-08-24. Review status: criteria provided, single submitter. Criteria: Invitae Variant Classification Sherloc (09022015). Collection method: clinical testing. Allele origin: germline.
Comment: This sequence change replaces glutamic acid, which is acidic and polar, with lysine, which is basic and polar, at codon 1831 of the APC protein (p.Glu1831Lys). This variant is not present in population databases (gnomAD no frequency). This variant has not been reported in the literature in individuals affected with APC-related conditions. ClinVar contains an entry for this variant (Variation ID: 489470). Invitae Evidence Modeling of protein sequence and biophysical properties (such as structural, functional, and spatial information, amino acid conservation, physicochemical variation, residue mobility, and thermodynamic stability) indicates that this missense variant is not expected to disrupt APC protein function with a negative predictive value of 95%. In summary, the available evidence is currently insufficient to determine the role of this variant in disease. Therefore, it has been classified as a Variant of Uncertain Significance.

Color Diagnostics, LLC DBA Color Health
Classification: Uncertain significance for Hereditary cancer-predisposing syndrome. Last evaluated: 2024-03-06. Review status: criteria provided, single submitter. Criteria: ACMG Guidelines, 2015. Collection method: clinical testing. Allele origin: germline.
Comment: This missense variant replaces glutamic acid with lysine at codon 1831 of the APC protein. Computational prediction suggests that this variant may not impact protein structure and function (internally defined REVEL score threshold <= 0.5, PMID: 27666373). To our knowledge, functional studies have not been reported for this variant. This variant has not been reported in individuals affected with APC-related disorders in the literature. This variant has not been identified in the general population by the Genome Aggregation Database (gnomAD). The available evidence is insufficient to determine the role of this variant in disease conclusively. Therefore, this variant is classified as a Variant of Uncertain Significance.

Baylor Genetics
Classification: Uncertain significance for Familial adenomatous polyposis 1. Last evaluated: 2023-07-29. Review status: criteria provided, single submitter. Criteria: ACMG Guidelines, 2015. Collection method: clinical testing. Allele origin: unknown.

All of Us Research Program, National Institutes of Health
Classification: Uncertain significance for Classic or attenuated familial adenomatous polyposis. Last evaluated: 2023-03-07. Review status: criteria provided, single submitter. Criteria: ACMG Guidelines, 2015. Collection method: clinical testing. Allele origin: germline. Inheritance: Autosomal dominant inheritance. Observed: 1 variant allele, 1 heterozygote.
Comment: This missense variant replaces glutamic acid with lysine at codon 1831 of the APC protein. Computational prediction suggests that this variant may not impact protein structure and function (internally defined REVEL score threshold <= 0.5, PMID: 27666373). To our knowledge, functional studies have not been reported for this variant. This variant has not been reported in individuals affected with APC-related disorders in the literature. This variant has not been identified in the general population by the Genome Aggregation Database (gnomAD). The available evidence is insufficient to determine the role of this variant in disease conclusively. Therefore, this variant is classified as a Variant of Uncertain Significance.

This study involves interpretation of variants in research participants for the purpose of population health screening. Participant phenotype was not available at the time of variant classification. Additional details can be found in publication PMID: 35346344, PMCID: PMC8962531

NM_000038.6(APC):c.5491G>A (p.Glu1831Lys)

Gene: APC (APC regulator of Wnt signaling pathway; plus strand). Cytogenetic location: 5q22.2.
Variant type: single nucleotide variant.
Coding change: c.5491G>A on transcript NM_000038.6 (MANE Select); coding-DNA position 5491, G replaced by A.
Protein change: p.Glu1831Lys; replaces glutamic acid 1831 with lysine.
Molecular consequence: missense variant.
Genome position (GRCh38, 1-based): chr5:112,841,085, G>A. VCF-style: chr5-112841085-G-A. GRCh37 (hg19) VCF-style: chr5-112176782-G-A.
Other names: c.5491G>A, p.Glu1831Lys (NM_001127510.3, NM_001354895.2); c.5437G>A, p.Glu1813Lys (NM_001127511.3); c.5545G>A, p.Glu1849Lys (NM_001354896.2); c.5521G>A, p.Glu1841Lys (NM_001354897.2); c.5416G>A, p.Glu1806Lys (NM_001354898.2); c.5407G>A, p.Glu1803Lys (NM_001354899.2); c.5368G>A, p.Glu1790Lys (NM_001354900.2); c.5314G>A, p.Glu1772Lys (NM_001354901.2); and 5 more; short protein forms E1813K, E1831K, E1730K, E1740K, E1772K, E1803K, E1841K, E1548K.
Identifiers: ClinVar variation 489470 (VCV000489470.21), dbSNP rs1554086768, ClinGen allele CA16033344.
Genomic context (GRCh38, chr5:112,841,085, plus strand): 5'-TCAAAGAAACAGAATTTGAAAAATAATTCCAAGGTCTTCAATGATAAGCTCCCAAATAAT[G>A]AAGATAGAGTCAGAGGAAGTTTTGCTTTTGATTCACCTCATCATTACACGCCTATTGAAG-3'
Protein context (NP_000029.2, residues 1821-1841): KVFNDKLPNN[Glu1831Lys]DRVRGSFAFD